The following is an entry in ClinVar:

ClinVar aggregate classification (germline): Uncertain significance (1 of 4 stars; one submission).

Allele frequency attached by ClinVar (database versions not stated): gnomAD exomes below 0.00001; ExAC 0.00001; gnomAD 0.00001; TOPMed 0.00001.
gnomAD v4.1: 6 of 1,613,978 alleles (0.00037%); highest among the groups gnomAD compares: Middle Eastern, 0.016%; no homozygotes.

Submission:

Labcorp Genetics (formerly Invitae), Labcorp
Classification: Uncertain significance. Last evaluated: 2024-02-24. Review status: criteria provided, single submitter. Criteria: Invitae Variant Classification Sherloc (09022015). Collection method: clinical testing. Allele origin: germline.
Comment: This sequence change replaces valine, which is neutral and non-polar, with glycine, which is neutral and non-polar, at codon 4752 of the USH2A protein (p.Val4752Gly). This variant is present in population databases (rs759899509, gnomAD 0.0009%). This variant has not been reported in the literature in individuals affected with USH2A-related conditions. ClinVar contains an entry for this variant (Variation ID: 2148182). Advanced modeling of protein sequence and biophysical properties (such as structural, functional, and spatial information, amino acid conservation, physicochemical variation, residue mobility, and thermodynamic stability) has been performed at Invitae for this missense variant, however the output from this modeling did not meet the statistical confidence thresholds required to predict the impact of this variant on USH2A protein function. In summary, the available evidence is currently insufficient to determine the role of this variant in disease. Therefore, it has been classified as a Variant of Uncertain Significance.

NM_206933.4(USH2A):c.14255T>G (p.Val4752Gly)

Gene: USH2A (usherin; minus strand). Cytogenetic location: 1q41.
Variant type: single nucleotide variant.
Coding change: c.14255T>G on transcript NM_206933.4 (MANE Select); coding-DNA position 14255, T replaced by G.
Protein change: p.Val4752Gly; replaces valine 4752 with glycine.
Molecular consequence: missense variant.
Genome position (GRCh38, 1-based): chr1:215,650,680, A>C on the plus strand (T>G on the coding strand, the complement: USH2A is on the minus strand). VCF-style: chr1-215650680-A-C. GRCh37 (hg19) VCF-style: chr1-215824022-A-C.
Other names: short protein forms V4752G.
Identifiers: ClinVar variation 2148182 (VCV002148182.2), dbSNP rs759899509, ClinGen allele CA1393080.